The following is an entry in ClinVar:

ClinVar aggregate classification (germline): Uncertain significance (1 of 4 stars; one submission).

Conditions:
T-B+ severe combined immunodeficiency due to JAK3 deficiency. Also called: SCID, T CELL-NEGATIVE, B CELL-POSITIVE, NK CELL-NEGATIVE; SCID, autosomal recessive, T-negative/B-positive type. Identifiers: Orphanet 35078, MedGen C1833275, MONDO:0010938, OMIM 600802.

Allele frequency attached by ClinVar (database versions not stated): gnomAD 0.00001; TOPMed 0.00001.
gnomAD v4.1: 6 of 1,612,338 alleles (0.00037%); highest among the groups gnomAD compares: Non-Finnish European, 0.00042%; no homozygotes.

Submission:

Labcorp Genetics (formerly Invitae), Labcorp
Classification: Uncertain significance for T-B+ severe combined immunodeficiency due to JAK3 deficiency. Last evaluated: 2022-07-05. Review status: criteria provided, single submitter. Criteria: Invitae Variant Classification Sherloc (09022015). Collection method: clinical testing. Allele origin: germline.
Comment: This sequence change replaces serine, which is neutral and polar, with asparagine, which is neutral and polar, at codon 302 of the JAK3 protein (p.Ser302Asn). The frequency data for this variant in the population databases is considered unreliable, as metrics indicate poor data quality at this position in the gnomAD database. This variant has not been reported in the literature in individuals affected with JAK3-related conditions. ClinVar contains an entry for this variant (Variation ID: 1448722). Advanced modeling of protein sequence and biophysical properties (such as structural, functional, and spatial information, amino acid conservation, physicochemical variation, residue mobility, and thermodynamic stability) performed at Invitae indicates that this missense variant is not expected to disrupt JAK3 protein function. In summary, the available evidence is currently insufficient to determine the role of this variant in disease. Therefore, it has been classified as a Variant of Uncertain Significance.

NM_000215.4(JAK3):c.905G>A (p.Ser302Asn)

Gene: JAK3 (Janus kinase 3; minus strand). Cytogenetic location: 19p13.11.
Variant type: single nucleotide variant.
Coding change: c.905G>A on transcript NM_000215.4 (MANE Select); coding-DNA position 905, G replaced by A.
Protein change: p.Ser302Asn; replaces serine 302 with asparagine.
Molecular consequence: missense variant.
Genome position (GRCh38, 1-based): chr19:17,841,719, C>T on the plus strand (G>A on the coding strand, the complement: JAK3 is on the minus strand). VCF-style: chr19-17841719-C-T. GRCh37 (hg19) VCF-style: chr19-17952528-C-T.
Other names: c.905G>A (NM_000215.3); short protein forms S302N.
Identifiers: ClinVar variation 1448722 (VCV001448722.4), dbSNP rs751055857, ClinGen allele CA306139036.